The following is an entry in ClinVar:

NM_001256789.3(CACNA1F):c.2736G>T (p.Met912Ile)

Gene: CACNA1F (calcium voltage-gated channel subunit alpha1 F; minus strand). Cytogenetic location: Xp11.23.
Variant type: single nucleotide variant.
Coding change: c.2736G>T on transcript NM_001256789.3 (MANE Select); coding-DNA position 2736, G replaced by T.
Protein change: p.Met912Ile; replaces methionine 912 with isoleucine.
Molecular consequence: missense variant.
Genome position (GRCh38, 1-based): chrX:49,218,733, C>A on the plus strand (G>T on the coding strand, the complement: CACNA1F is on the minus strand). VCF-style: chrX-49218733-C-A. GRCh37 (hg19) VCF-style: chrX-49075192-C-A.
Other names: c.2574G>T, p.Met858Ile (NM_001256790.3); c.2769G>T, p.Met923Ile (NM_005183.4); short protein forms M858I, M923I, M912I.
Identifiers: ClinVar variation 5003180 (VCV005003180.1).
Genomic context (GRCh38, chrX:49,218,733, plus strand): 5'-CAACATATTAAACCAGCTACGGCAGAAGGAGCCGCGGTGCAGGAAGGCCCCAAACACTGT[C>A]ATCTGGGGACAGGACAAGAGGCTAGACTCAGACCTGGGGATGGTGGGGGTTGGGGGAGGT-3'
Protein context (NP_001243718.1, residues 902-922): SIFTVEILLK[Met912Ile]TVFGAFLHRG

ClinVar aggregate classification (germline): Uncertain significance (1 of 4 stars; one submission).

Conditions:
Congenital stationary night blindness 2A (CSNB2A). Also called: NIGHT BLINDNESS, CONGENITAL STATIONARY, TYPE 2; Night blindness, congenital stationary (incomplete), 2A, X-linked; CSNB, INCOMPLETE, X-LINKED; CACNA1F-Related X-Linked Congenital Stationary Night Blindness. Identifiers: Orphanet 215, MedGen C1848172, MONDO:0010241, OMIM 300071.

Submission:

OLLIN Analises Genomicas, OLLIN
Classification: Uncertain significance for Congenital stationary night blindness 2A. Last evaluated: 2026-08-06. Review status: criteria provided, single submitter. Criteria: ACMG Guidelines 2015 PMID 25741868. Collection method: clinical testing. Allele origin: germline. Inheritance: X-linked inheritance.
Comment: This missense variant, located in exon 23 (of 48), is absent from gnomAD and ClinVar and has not been identified in the literature. In silico analysis predicts that this variant has a deleterious effect. According to the currently available evidence, this variant has been classified as uncertain significance (PM2_P, PP3_M).